The following is an entry in ClinVar:

ClinVar aggregate classification (germline): Pathogenic (1 of 4 stars; one submission).

Submission:

Labcorp Genetics (formerly Invitae), Labcorp
Classification: Pathogenic. Last evaluated: 2024-08-05. Review status: criteria provided, single submitter. Criteria: Invitae Variant Classification Sherloc (09022015). Collection method: clinical testing. Allele origin: germline.
Comment: This sequence change creates a premature translational stop signal (p.Thr203Tyrfs*7) in the KIF11 gene. It is expected to result in an absent or disrupted protein product. Loss-of-function variants in KIF11 are known to be pathogenic (PMID: 22284827, 24281367). This variant is not present in population databases (gnomAD no frequency). This variant has not been reported in the literature in individuals affected with KIF11-related conditions. ClinVar contains an entry for this variant (Variation ID: 1418931). For these reasons, this variant has been classified as Pathogenic.

Literature cited by the submitters: PubMed 22284827; PubMed 24281367.

NM_004523.4(KIF11):c.605_606insA (p.Thr203fs)

Gene: KIF11 (kinesin family member 11; plus strand). Cytogenetic location: 10q23.33.
Variant type: Insertion.
Coding change: c.605_606insA on transcript NM_004523.4 (MANE Select); coding-DNA positions 605 to 606, A inserted.
Protein change: p.Thr203fs; shifts the reading frame from threonine 203.
Molecular consequence: frameshift variant.
Genome position: GRCh38 VCF-style: chr10-92609416-T-TA. GRCh37 (hg19) VCF-style: chr10-94369173-T-TA.
Other names: short protein forms T203fs.
Identifiers: ClinVar variation 1418931 (VCV001418931.6), dbSNP rs2135902899, ClinGen allele CA2573145836.